The following is an entry in ClinVar:

ClinVar aggregate classification (germline): Uncertain significance (1 of 4 stars; one submission).

Allele frequency attached by ClinVar (database versions not stated): TOPMed 0.00001; ExAC 0.00003; gnomAD exomes 0.00003.
gnomAD v4.1: 59 of 1,614,008 alleles (0.0037%); highest among the groups gnomAD compares: Non-Finnish European, 0.0047%; no homozygotes.

Submission:

Labcorp Genetics (formerly Invitae), Labcorp
Classification: Uncertain significance. Last evaluated: 2021-10-21. Review status: criteria provided, single submitter. Criteria: Invitae Variant Classification Sherloc (09022015). Collection method: clinical testing. Allele origin: germline.
Comment: In summary, the available evidence is currently insufficient to determine the role of this variant in disease. Therefore, it has been classified as a Variant of Uncertain Significance. Algorithms developed to predict the effect of missense changes on protein structure and function (SIFT, PolyPhen-2, Align-GVGD) all suggest that this variant is likely to be tolerated, but these predictions have not been confirmed by published functional studies and their clinical significance is uncertain. This variant has not been reported in the literature in individuals with EXOSC9-related conditions. This variant is present in population databases (rs769234891, ExAC 0.006%). This sequence change replaces leucine with valine at codon 105 of the EXOSC9 protein (p.Leu105Val). The leucine residue is highly conserved and there is a small physicochemical difference between leucine and valine.

NM_005033.3(EXOSC9):c.313C>G (p.Leu105Val)

Gene: EXOSC9 (exosome component 9; plus strand). Cytogenetic location: 4q27.
Variant type: single nucleotide variant.
Coding change: c.313C>G on transcript NM_005033.3 (MANE Select); coding-DNA position 313, C replaced by G.
Protein change: p.Leu105Val; replaces leucine 105 with valine.
Molecular consequence: missense variant.
Genome position (GRCh38, 1-based): chr4:121,802,946, C>G. VCF-style: chr4-121802946-C-G. GRCh37 (hg19) VCF-style: chr4-122724101-C-G.
Other names: c.313C>G, p.Leu105Val (NM_001034194.2); short protein forms L105V.
Identifiers: ClinVar variation 1492808 (VCV001492808.6), dbSNP rs769234891, ClinGen allele CA3063365.